The following is an entry in ClinVar:

NM_001291303.3(FAT4):c.3687G>C (p.Val1229=)

Gene: FAT4 (FAT atypical cadherin 4; plus strand). Cytogenetic location: 4q28.1.
Variant type: single nucleotide variant.
Coding change: c.3687G>C on transcript NM_001291303.3 (MANE Select); coding-DNA position 3687, G replaced by C.
Protein change: p.Val1229=; no amino-acid change (valine 1229 retained).
Molecular consequence: synonymous variant.
Genome position (GRCh38, 1-based): chr4:125,320,098, G>C. VCF-style: chr4-125320098-G-C. GRCh37 (hg19) VCF-style: chr4-126241253-G-C.
Other names: c.3687G>C, p.Val1229= (NM_001291285.3, NM_024582.6).
Identifiers: ClinVar variation 380818 (VCV000380818.12), dbSNP rs7657251, ClinGen allele CA3072349.

ClinVar aggregate classification (germline): Benign. Review status: criteria provided, multiple submitters, no conflicts (2 of 4 stars). 5 submissions from 5 submitters: Benign (3). 2 of the submissions do not count toward it. Last evaluated 2026-02-04.

Allele frequency attached by ClinVar (database versions not stated): 1000 Genomes Project 0.06430; 1000 Genomes Project 30x 0.06527; gnomAD exomes 0.09197; ExAC 0.09213; gnomAD 0.09630 and 0.09845; TOPMed 0.09693; ESP Exome Variant Server 0.11241.

Submissions (5):

Labcorp Genetics (formerly Invitae), Labcorp
Classification: Benign. Last evaluated: 2026-02-04. Review status: criteria provided, single submitter. Criteria: Invitae Variant Classification Sherloc (09022015). Collection method: clinical testing. Allele origin: germline.

GeneDx
Classification: Benign. Last evaluated: 2016-01-22. Review status: criteria provided, single submitter. Criteria: GeneDx Variant Classification (06012015). Collection method: clinical testing. Allele origin: germline. Affected: yes.
Comment: This variant is considered likely benign or benign based on one or more of the following criteria: it is a conservative change, it occurs at a poorly conserved position in the protein, it is predicted to be benign by multiple in silico algorithms, and/or has population frequency not consistent with disease.

Breakthrough Genomics
Classification: Benign. Review status: criteria provided, single submitter. Criteria: ACMG Guidelines, 2015. Collection method: not provided. Allele origin: germline. Inheritance: Autosomal recessive inheritance. Affected: yes.

Clinical Genetics DNA and cytogenetics Diagnostics Lab, Erasmus MC, Erasmus Medical Center
Classification: Benign. Review status: no assertion criteria provided. Collection method: clinical testing. Allele origin: germline. Affected: yes. Study: VKGL Data-share Consensus. Not counted in ClinVar's aggregate classification.

Clinical Genetics, Academic Medical Center
Classification: Benign. Review status: no assertion criteria provided. Collection method: clinical testing. Allele origin: germline. Affected: yes. Study: VKGL Data-share Consensus. Not counted in ClinVar's aggregate classification.